The following is an entry in ClinVar:

ClinVar aggregate classification (germline): Uncertain significance (1 of 4 stars; one submission).

gnomAD v4.1: 10 of 1,614,016 alleles (0.00062%); highest among the groups gnomAD compares: East Asian, 0.018%; no homozygotes.

Submission:

Labcorp Genetics (formerly Invitae), Labcorp
Classification: Uncertain significance. Last evaluated: 2025-12-09. Review status: criteria provided, single submitter. Criteria: Invitae Variant Classification Sherloc (09022015). Collection method: clinical testing. Allele origin: germline.
Comment: This sequence change affects a donor splice site in intron 13 of the A2ML1 gene. It is expected to disrupt RNA splicing. Variants that disrupt the donor or acceptor splice site typically lead to a loss of protein function (PMID: 16199547), however the current clinical and genetic evidence is not sufficient to establish whether loss-of-function variants in A2ML1 cause disease. This variant is present in population databases (no rsID available, gnomAD 0.03%). This variant has not been reported in the literature in individuals affected with A2ML1-related conditions. ClinVar contains an entry for this variant (Variation ID: 2067696). Algorithms developed to predict the effect of sequence changes on RNA splicing suggest that this variant may disrupt the consensus splice site. In summary, the available evidence is currently insufficient to determine the role of this variant in disease. Therefore, it has been classified as a Variant of Uncertain Significance.

Literature cited by the submitters: PubMed 16199547.

NM_144670.6(A2ML1):c.1537+1G>A

Gene: A2ML1 (alpha-2-macroglobulin like 1; plus strand). Cytogenetic location: 12p13.31.
Variant type: single nucleotide variant.
Coding change: c.1537+1G>A on transcript NM_144670.6 (MANE Select); the canonical splice donor site of the intron after coding-DNA position 1537, G replaced by A.
Molecular consequence: splice donor variant.
Genome position (GRCh38, 1-based): chr12:8,845,503, G>A. VCF-style: chr12-8845503-G-A. GRCh37 (hg19) VCF-style: chr12-8998099-G-A.
Other names: c.64+1G>A (NM_001282424.3).
Identifiers: ClinVar variation 2067696 (VCV002067696.4), dbSNP rs766100204, ClinGen allele CA383826851.